The following is an entry in ClinVar:

ClinVar aggregate classification (germline): Uncertain significance (1 of 4 stars; one submission).

Conditions:
Cardiovascular phenotype. Identifiers: MedGen CN230736.

Allele frequency attached by ClinVar (database versions not stated): TOPMed 0.00001.

Submission:

Ambry Genetics
Classification: Uncertain significance for Cardiovascular phenotype. Last evaluated: 2022-11-07. Review status: criteria provided, single submitter. Criteria: Ambry Variant Classification Scheme 2023. Collection method: clinical testing. Allele origin: germline.
Comment: The p.G43D variant (also known as c.128G>A), located in coding exon 1 of the GATAD1 gene, results from a G to A substitution at nucleotide position 128. The glycine at codon 43 is replaced by aspartic acid, an amino acid with similar properties. This amino acid position is conserved. In addition, the in silico prediction for this alteration is inconclusive. Since supporting evidence is limited at this time, the clinical significance of this alteration remains unclear.

NM_021167.5(GATAD1):c.128G>A (p.Gly43Asp)

Genes: GATAD1 (GATA zinc finger domain containing 1; plus strand), LOC129998793 (ATAC-STARR-seq lymphoblastoid silent region 18371; plus strand). Cytogenetic location: 7q21.2.
Variant type: single nucleotide variant.
Coding change: c.128G>A on transcript NM_021167.5 (MANE Select); coding-DNA position 128, G replaced by A.
Protein change: p.Gly43Asp; replaces glycine 43 with aspartic acid.
Molecular consequence: missense variant. On other transcripts: non-coding transcript variant (1).
Genome position (GRCh38, 1-based): chr7:92,447,857, G>A. VCF-style: chr7-92447857-G-A. GRCh37 (hg19) VCF-style: chr7-92077171-G-A.
Other names: short protein forms G43D.
Identifiers: ClinVar variation 2448822 (VCV002448822.2), dbSNP rs1385942052, ClinGen allele CA368155181.